The following is an entry in ClinVar:

NM_015346.4(ZFYVE26):c.4599G>A (p.Trp1533Ter)

Gene: ZFYVE26 (zinc finger FYVE-type containing 26; minus strand). Cytogenetic location: 14q24.1.
Variant type: single nucleotide variant.
Coding change: c.4599G>A on transcript NM_015346.4 (MANE Select); coding-DNA position 4599, G replaced by A.
Protein change: p.Trp1533Ter; replaces tryptophan 1533 with a stop codon.
Molecular consequence: nonsense.
Genome position (GRCh38, 1-based): chr14:67,780,316, C>T on the plus strand (G>A on the coding strand, the complement: ZFYVE26 is on the minus strand). VCF-style: chr14-67780316-C-T. GRCh37 (hg19) VCF-style: chr14-68247033-C-T.
Other names: short protein forms W1533*.
Identifiers: ClinVar variation 1073888 (VCV001073888.8), dbSNP rs2140219010, ClinGen allele CA390169448.

ClinVar aggregate classification (germline): Pathogenic. Review status: criteria provided, multiple submitters, no conflicts (2 of 4 stars). 2 submissions from 2 submitters: Pathogenic (2). Last evaluated 2024-08-23.

Conditions:
Spastic paraplegia. Identifiers: MedGen C0037772, HP:0001258.
Hereditary spastic paraplegia 15 (SPG15). Also called: SPASTIC PARAPLEGIA 15, AUTOSOMAL RECESSIVE; KJELLIN SYNDROME; SPASTIC PARAPLEGIA AND RETINAL DEGENERATION. Identifiers: Orphanet 100996, MedGen C1849128, MONDO:0010044, OMIM 270700.

Allele frequency attached by ClinVar (database versions not stated): gnomAD exomes below 0.00001.
gnomAD v4.1: 1 of 1,613,920 alleles (0.000062%); highest among the groups gnomAD compares: Non-Finnish European, 0.000085%; no homozygotes.

Submissions (2):

Myriad Genetics, Inc.
Classification: Pathogenic for Hereditary spastic paraplegia 15. Last evaluated: 2024-08-23. Review status: criteria provided, single submitter. Criteria: Myriad Autosomal Dominant, Autosomal Recessive and X-Linked Classification Criteria (2023). Collection method: clinical testing. Allele origin: unknown.
Comment: NM_015346.3(ZFYVE26):c.4599G>A(W1533*) is expected to be pathogenic in the context of spastic paraplegia type 15. This variant is predicted to lead to an abnormal or absent protein product due to the creation of a premature termination codon in ZFYVE26, a gene where loss-of-function variants are known to be pathogenic. Please note: this variant was assessed in the context of healthy population screening.

Labcorp Genetics (formerly Invitae), Labcorp
Classification: Pathogenic for Spastic paraplegia. Last evaluated: 2020-06-30. Review status: criteria provided, single submitter. Criteria: Invitae Variant Classification Sherloc (09022015). Collection method: clinical testing. Allele origin: germline.
Comment: For these reasons, this variant has been classified as Pathogenic. Loss-of-function variants in ZFYVE26 are known to be pathogenic (PMID: 18394578, 19805727). This variant has not been reported in the literature in individuals with ZFYVE26-related conditions. This variant is not present in population databases (ExAC no frequency). This sequence change creates a premature translational stop signal (p.Trp1533*) in the ZFYVE26 gene. It is expected to result in an absent or disrupted protein product.

Literature cited by the submitters: PubMed 18394578 (cited by Labcorp Genetics (formerly Invitae), Labcorp); PubMed 19805727 (cited by Labcorp Genetics (formerly Invitae), Labcorp).